The following is an entry in ClinVar:

ClinVar aggregate classification (germline): Benign/Likely benign. Review status: criteria provided, multiple submitters, no conflicts (2 of 4 stars). 3 submissions from 3 submitters: Benign (1); Likely benign (1). 1 of the submissions does not count toward it. Last evaluated 2024-09-17.

Conditions:
RNF216-related disorder. Also called: RNF216-related condition.

Allele frequency attached by ClinVar (database versions not stated): gnomAD exomes 0.00008 and 0.00049; gnomAD 0.00017 and 0.00020; TOPMed 0.00022; ExAC 0.00033; 1000 Genomes Project 30x 0.00109; 1000 Genomes Project 0.00120.
gnomAD v4.1: 161 of 1,614,184 alleles (0.01%); highest among the groups gnomAD compares: East Asian, 0.32%; 1 homozygote.

Submissions (3):

Blueprint Genetics
Classification: Likely benign. Last evaluated: 2024-09-17. Review status: criteria provided, single submitter. Criteria: ACMG Guidelines, 2015. Collection method: clinical testing. Allele origin: germline.

Labcorp Genetics (formerly Invitae), Labcorp
Classification: Benign. Last evaluated: 2023-04-09. Review status: criteria provided, single submitter. Criteria: Invitae Variant Classification Sherloc (09022015). Collection method: clinical testing. Allele origin: germline.

PreventionGenetics, part of Exact Sciences
Classification: Likely benign for RNF216-related condition. Last evaluated: 2019-12-09. Review status: no assertion criteria provided. Collection method: clinical testing. Allele origin: germline. Not counted in ClinVar's aggregate classification.
Comment: This variant is classified as likely benign based on ACMG/AMP sequence variant interpretation guidelines (Richards et al. 2015 PMID: 25741868, with internal and published modifications).

NM_207111.4(RNF216):c.638G>C (p.Gly213Ala)

Gene: RNF216 (ring finger protein 216; minus strand). Cytogenetic location: 7p22.1.
Variant type: single nucleotide variant.
Coding change: c.638G>C on transcript NM_207111.4 (MANE Select); coding-DNA position 638, G replaced by C.
Protein change: p.Gly213Ala; replaces glycine 213 with alanine.
Molecular consequence: missense variant.
Genome position (GRCh38, 1-based): chr7:5,741,379, C>G on the plus strand (G>C on the coding strand, the complement: RNF216 is on the minus strand). VCF-style: chr7-5741379-C-G. GRCh37 (hg19) VCF-style: chr7-5781010-C-G.
Other names: c.467G>C, p.Gly156Ala (NM_001377156.1, NM_207116.3); c.638G>C (NM_207111.3); short protein forms G156A, G213A.
Identifiers: ClinVar variation 1577582 (VCV001577582.11), dbSNP rs78387970, ClinGen allele CA4148491.
Genomic context (GRCh38, chr7:5,741,379, plus strand): 5'-GGATGATCTAACCAGCAGTCTTCTTCGATGGCCTGATCATCTGCTAGAGCAGCTGACTCT[C>G]CTAGATTTGATAACAGCTCTGTCTCTGAGTCTTCGGATGACTGGTTCTGAGTTTCCAAAG-3'
Protein context (NP_996994.1, residues 203-223): DSETELLSNL[Gly213Ala]ESAALADDQA